The following is an entry in ClinVar:

NM_012418.4(FSCN2):c.449G>A (p.Arg150His)

Gene: FSCN2 (fascin actin-bundling protein 2, retinal; plus strand). Cytogenetic location: 17q25.3.
Variant type: single nucleotide variant.
Coding change: c.449G>A on transcript NM_012418.4 (MANE Select); coding-DNA position 449, G replaced by A.
Protein change: p.Arg150His; replaces arginine 150 with histidine.
Molecular consequence: missense variant.
Genome position (GRCh38, 1-based): chr17:81,528,980, G>A. VCF-style: chr17-81528980-G-A. GRCh37 (hg19) VCF-style: chr17-79496006-G-A.
Other names: c.449G>A, p.Arg150His (NM_001077182.3); short protein forms R150H.
Identifiers: ClinVar variation 1383897 (VCV001383897.6), dbSNP rs782489089, ClinGen allele CA8836682.

ClinVar aggregate classification (germline): Uncertain significance (1 of 4 stars; one submission).

Allele frequency attached by ClinVar (database versions not stated): gnomAD 0.00006 and 0.00005; ExAC 0.00002; gnomAD exomes 0.00003; TOPMed 0.00002.
gnomAD v4.1: 23 of 1,585,702 alleles (0.0015%); highest among the groups gnomAD compares: Admixed American, 0.016%; no homozygotes.

Submission:

Labcorp Genetics (formerly Invitae), Labcorp
Classification: Uncertain significance. Last evaluated: 2025-10-01. Review status: criteria provided, single submitter. Criteria: Invitae Variant Classification Sherloc (09022015). Collection method: clinical testing. Allele origin: germline.
Comment: This sequence change replaces arginine, which is basic and polar, with histidine, which is basic and polar, at codon 150 of the FSCN2 protein (p.Arg150His). The frequency data for this variant in the population databases is considered unreliable, as metrics indicate poor data quality at this position in the gnomAD database. This variant has not been reported in the literature in individuals affected with FSCN2-related conditions. ClinVar contains an entry for this variant (Variation ID: 1383897). An algorithm developed to predict the effect of missense changes on protein structure and function (PolyPhen-2) suggests that this variant is likely to be disruptive. In summary, the available evidence is currently insufficient to determine the role of this variant in disease. Therefore, it has been classified as a Variant of Uncertain Significance.